The following is an entry in ClinVar:

NM_001903.5(CTNNA1):c.2660A>G (p.Gln887Arg)

Gene: CTNNA1 (catenin alpha 1; plus strand). Cytogenetic location: 5q31.2.
Variant type: single nucleotide variant.
Coding change: c.2660A>G on transcript NM_001903.5 (MANE Select); coding-DNA position 2660, A replaced by G.
Protein change: p.Gln887Arg; replaces glutamine 887 with arginine.
Molecular consequence: missense variant. On other transcripts: 3 prime UTR variant (5).
Genome position (GRCh38, 1-based): chr5:138,934,028, A>G. VCF-style: chr5-138934028-A-G. GRCh37 (hg19) VCF-style: chr5-138269717-A-G.
Other names: c.2660A>G (NM_001903.2); c.*205A>G (NM_001290307.3, NM_001324002.1, NM_001324003.1 and 2 more transcripts); c.2351A>G, p.Gln784Arg (NM_001290309.3); c.2291A>G, p.Gln764Arg (NM_001290310.3); c.1550A>G, p.Gln517Arg (NM_001290312.1, NM_001323987.1, NM_001323988.1 and 12 more transcripts); c.2660A>G, p.Gln887Arg (NM_001323982.2, NM_001323983.1, NM_001323984.2); c.2633A>G, p.Gln878Arg (NM_001323985.2); c.2567A>G, p.Gln856Arg (NM_001323986.2); and 4 more; short protein forms Q404R, Q784R, Q856R, Q887R, Q472R, Q517R, Q878R, Q486R.
Identifiers: ClinVar variation 3705194 (VCV003705194.3).

ClinVar aggregate classification (germline): Uncertain significance. Review status: criteria provided, multiple submitters, no conflicts (2 of 4 stars). 2 submissions from 2 submitters: Uncertain significance (2). Last evaluated 2025-08-26.

Conditions:
Hereditary cancer-predisposing syndrome. Also called: Hereditary neoplastic syndrome; Tumor predisposition; Hereditary Cancer Syndrome; Neoplastic Syndromes, Hereditary. Identifiers: Orphanet 140162, MedGen C0027672, MeSH D009386, MONDO:0015356.

Submissions (2):

Labcorp Genetics (formerly Invitae), Labcorp
Classification: Uncertain significance. Last evaluated: 2025-08-26. Review status: criteria provided, single submitter. Criteria: Invitae Variant Classification Sherloc (09022015). Collection method: clinical testing. Allele origin: germline.
Comment: This sequence change replaces glutamine, which is neutral and polar, with arginine, which is basic and polar, at codon 887 of the CTNNA1 protein (p.Gln887Arg). This variant is not present in population databases (gnomAD no frequency). This variant has not been reported in the literature in individuals affected with CTNNA1-related conditions. ClinVar contains an entry for this variant (Variation ID: 3705194). Invitae Evidence Modeling of protein sequence and biophysical properties (such as structural, functional, and spatial information, amino acid conservation, physicochemical variation, residue mobility, and thermodynamic stability) indicates that this missense variant is not expected to disrupt CTNNA1 protein function with a negative predictive value of 80%. In summary, the available evidence is currently insufficient to determine the role of this variant in disease. Therefore, it has been classified as a Variant of Uncertain Significance.

Ambry Genetics
Classification: Uncertain significance for Hereditary cancer-predisposing syndrome. Last evaluated: 2025-03-07. Review status: criteria provided, single submitter. Criteria: Ambry Variant Classification Scheme 2023. Collection method: clinical testing. Allele origin: germline.
Comment: The p.Q887R variant (also known as c.2660A>G), located in coding exon 17 of the CTNNA1 gene, results from an A to G substitution at nucleotide position 2660. The glutamine at codon 887 is replaced by arginine, an amino acid with highly similar properties. This amino acid position is conserved. In addition, the in silico prediction for this alteration is inconclusive. Based on the available evidence, the clinical significance of this variant remains unclear.